The following is an entry in ClinVar:

NM_014855.3(AP5Z1):c.1850C>T (p.Ser617Phe)

Gene: AP5Z1 (adaptor related protein complex 5 subunit zeta 1; plus strand). Cytogenetic location: 7p22.1.
Variant type: single nucleotide variant.
Coding change: c.1850C>T on transcript NM_014855.3 (MANE Select); coding-DNA position 1850, C replaced by T.
Protein change: p.Ser617Phe; replaces serine 617 with phenylalanine.
Molecular consequence: missense variant. On other transcripts: non-coding transcript variant (1).
Genome position (GRCh38, 1-based): chr7:4,790,503, C>T. VCF-style: chr7-4790503-C-T. GRCh37 (hg19) VCF-style: chr7-4830134-C-T.
Other names: c.1382C>T, p.Ser461Phe (NM_001364858.1); short protein forms S461F, S617F.
Identifiers: ClinVar variation 1010926 (VCV001010926.8), dbSNP rs1583241907, ClinGen allele CA366664076.

ClinVar aggregate classification (germline): Uncertain significance (1 of 4 stars; one submission).

Conditions:
Hereditary spastic paraplegia 48. Also called: Spastic paraplegia 48; SPASTIC PARAPLEGIA 48, AUTOSOMAL RECESSIVE. Identifiers: Orphanet 306511, MedGen C3150901, MONDO:0013342, OMIM 613647.

Allele frequency attached by ClinVar (database versions not stated): gnomAD exomes below 0.00001; TOPMed below 0.00001.
gnomAD v4.1: 1 of 1,613,214 alleles (0.000062%); highest among the groups gnomAD compares: Non-Finnish European, 0.000085%; no homozygotes.

Submission:

Labcorp Genetics (formerly Invitae), Labcorp
Classification: Uncertain significance for Hereditary spastic paraplegia 48. Last evaluated: 2020-06-01. Review status: criteria provided, single submitter. Criteria: Invitae Variant Classification Sherloc (09022015). Collection method: clinical testing. Allele origin: germline.
Comment: Algorithms developed to predict the effect of missense changes on protein structure and function are either unavailable or do not agree on the potential impact of this missense change (SIFT: "Deleterious"; PolyPhen-2: "Probably Damaging"; Align-GVGD: "Class C15"). This variant has not been reported in the literature in individuals with AP5Z1-related conditions. This variant is not present in population databases (ExAC no frequency). This sequence change replaces serine with phenylalanine at codon 617 of the AP5Z1 protein (p.Ser617Phe). The serine residue is moderately conserved and there is a large physicochemical difference between serine and phenylalanine. In summary, the available evidence is currently insufficient to determine the role of this variant in disease. Therefore, it has been classified as a Variant of Uncertain Significance.